The following is an entry in ClinVar:

ClinVar aggregate classification (germline): Uncertain significance. Review status: criteria provided, single submitter (1 of 4 stars). 2 submissions from 2 submitters: Uncertain significance (1). 1 of the submissions does not count toward it. Last evaluated 2022-02-03.

Conditions:
EP300-related disorder. Also called: EP300-related disorders; EP300-related condition.
Rubinstein-Taybi syndrome due to EP300 haploinsufficiency. Also called: EP300-Related Rubinstein-Taybi Syndrome; RUBINSTEIN-TAYBI SYNDROME 2. Identifiers: Orphanet 353284, Orphanet 783, MedGen C3150941, MONDO:0013364, OMIM 613684.

Allele frequency attached by ClinVar (database versions not stated): gnomAD exomes below 0.00001; gnomAD 0.00001; TOPMed 0.00001.
gnomAD v4.1: 2 of 1,613,994 alleles (0.00012%); highest among the groups gnomAD compares: Non-Finnish European, 0.00017%; no homozygotes.

Submissions (2):

Labcorp Genetics (formerly Invitae), Labcorp
Classification: Uncertain significance for Rubinstein-Taybi syndrome due to EP300 haploinsufficiency. Last evaluated: 2022-02-03. Review status: criteria provided, single submitter. Criteria: Invitae Variant Classification Sherloc (09022015). Collection method: clinical testing. Allele origin: germline.
Comment: Advanced modeling of protein sequence and biophysical properties (such as structural, functional, and spatial information, amino acid conservation, physicochemical variation, residue mobility, and thermodynamic stability) performed at Invitae indicates that this missense variant is expected to disrupt EP300 protein function. In summary, the available evidence is currently insufficient to determine the role of this variant in disease. Therefore, it has been classified as a Variant of Uncertain Significance. ClinVar contains an entry for this variant (Variation ID: 1061211). This variant has not been reported in the literature in individuals affected with EP300-related conditions. This variant is not present in population databases (gnomAD no frequency). This sequence change replaces isoleucine, which is neutral and non-polar, with valine, which is neutral and non-polar, at codon 1447 of the EP300 protein (p.Ile1447Val).

PreventionGenetics, part of Exact Sciences
Classification: Uncertain significance for EP300-related condition. Last evaluated: 2023-10-20. Review status: no assertion criteria provided. Collection method: clinical testing. Allele origin: germline. Not counted in ClinVar's aggregate classification.
Comment: The EP300 c.4339A>G variant is predicted to result in the amino acid substitution p.Ile1447Val. To our knowledge, this variant has not been reported in the literature or in a large population database, indicating this variant is rare. At this time, the clinical significance of this variant is uncertain due to the absence of conclusive functional and genetic evidence.

NM_001429.4(EP300):c.4339A>G (p.Ile1447Val)

Gene: EP300 (EP300 lysine acetyltransferase; plus strand). Cytogenetic location: 22q13.2.
Variant type: single nucleotide variant.
Coding change: c.4339A>G on transcript NM_001429.4 (MANE Select); coding-DNA position 4339, A replaced by G.
Protein change: p.Ile1447Val; replaces isoleucine 1447 with valine.
Molecular consequence: missense variant.
Genome position (GRCh38, 1-based): chr22:41,170,458, A>G. VCF-style: chr22-41170458-A-G. GRCh37 (hg19) VCF-style: chr22-41566462-A-G.
Other names: c.4339A>G (NM_001429.3); c.4261A>G, p.Ile1421Val (NM_001362843.2); short protein forms I1421V, I1447V.
Identifiers: ClinVar variation 1061211 (VCV001061211.12), dbSNP rs1448116681, ClinGen allele CA411702143.